The following is an entry in ClinVar:

ClinVar aggregate classification (germline): Conflicting classifications of pathogenicity. Review status: criteria provided, conflicting classifications (1 of 4 stars). 2 submissions from 2 submitters: Likely pathogenic (1); Uncertain significance (1). Last evaluated 2025-07-14.

Conditions:
Granulomatous disease, chronic, autosomal recessive, 5. Also called: GRANULOMATOUS DISEASE, CHRONIC, DUE TO CYBC1 DEFICIENCY. Identifiers: MedGen C5394542, MONDO:0030066, OMIM 618935.

Allele frequency attached by ClinVar (database versions not stated): gnomAD exomes below 0.00001; gnomAD 0.00001; TOPMed 0.00001.

Submissions (2):

First Genomix Gene Laboratory, Genetic Diagnostics Department
Classification: Likely pathogenic for Granulomatous disease, chronic, autosomal recessive, 5. Last evaluated: 2025-07-14. Review status: criteria provided, single submitter. Criteria: ACMG Guidelines, 2015. Collection method: clinical testing. Allele origin: germline. Inheritance: Autosomal recessive inheritance. Affected: no. Observed: 1 variant allele.

Labcorp Genetics (formerly Invitae), Labcorp
Classification: Uncertain significance. Last evaluated: 2025-05-27. Review status: criteria provided, single submitter. Criteria: Invitae Variant Classification Sherloc (09022015). Collection method: clinical testing. Allele origin: germline.
Comment: This sequence change affects an acceptor splice site in intron 6 of the C17orf62 gene. While this variant is not anticipated to result in nonsense mediated decay, it likely alters RNA splicing and results in a disrupted protein product. This variant is not present in population databases (gnomAD no frequency). This variant has not been reported in the literature in individuals affected with C17orf62-related conditions. ClinVar contains an entry for this variant (Variation ID: 1682695). Variants that disrupt the consensus splice site are a relatively common cause of aberrant splicing (PMID: 17576681, 9536098). Algorithms developed to predict the effect of sequence changes on RNA splicing suggest that this variant may disrupt the consensus splice site. In summary, the available evidence is currently insufficient to determine the role of this variant in disease. Therefore, it has been classified as a Variant of Uncertain Significance.

Literature cited by the submitters: PubMed 17576681 (cited by Labcorp Genetics (formerly Invitae), Labcorp); PubMed 9536098 (cited by Labcorp Genetics (formerly Invitae), Labcorp).

NM_001033046.4(CYBC1):c.444-1G>C

Gene: CYBC1 (cytochrome b-245 chaperone 1; minus strand). Cytogenetic location: 17q25.3.
Variant type: single nucleotide variant.
Coding change: c.444-1G>C on transcript NM_001033046.4 (MANE Select); the canonical splice acceptor site of the intron before coding-DNA position 444, G replaced by C.
Molecular consequence: splice acceptor variant.
Genome position (GRCh38, 1-based): chr17:82,444,125, C>G on the plus strand (G>C on the coding strand, the complement: CYBC1 is on the minus strand). VCF-style: chr17-82444125-C-G. GRCh37 (hg19) VCF-style: chr17-80402001-C-G.
Other names: c.402-1G>C (NM_001100408.3); c.444-1G>C (NM_001100407.3, NM_001193657.2, NM_001193654.2 and 2 more transcripts).
Identifiers: ClinVar variation 1682695 (VCV001682695.7), dbSNP rs774596468, ClinGen allele CA401608215.